The following is an entry in ClinVar:

ClinVar aggregate classification (germline): Pathogenic. Review status: criteria provided, multiple submitters, no conflicts (2 of 4 stars). 4 submissions from 4 submitters: Pathogenic (2). 2 of the submissions do not count toward it. Last evaluated 2025-10-16.

Conditions:
Glycine encephalopathy 1 (GCE1). Identifiers: MedGen CN376801, MONDO:0958179, OMIM 605899.
Glycine encephalopathy. Also called: Nonketotic hyperglycinemia; Non-ketotic hyperglycinemia. Identifiers: Orphanet 407, MedGen C0751748, MONDO:0011612, HP:0008288.

Allele frequency attached by ClinVar (database versions not stated): gnomAD exomes 0.00001 and below 0.00001; TOPMed 0.00001; gnomAD 0.00002.
gnomAD v4.1: 22 of 1,612,536 alleles (0.0014%); highest among the groups gnomAD compares: Non-Finnish European, 0.0017%; no homozygotes.

Submissions (4):

Natera, Inc.
Classification: Pathogenic for Non-ketotic hyperglycinemia. Last evaluated: 2025-10-16. Review status: criteria provided, single submitter. Criteria: Natera Variant Classification Schema (03/2026). Collection method: clinical testing. Allele origin: germline.
Comment: The c.847G>C variant in GLDC is a missense variant predicted to cause substitution of alanine to proline at amino acid 283. This variant is rare in the general population with a frequency below the threshold expected for the associated phenotype(s). This variant has been observed in one or more individuals affected with the associated recessive disease, as either homozygous or compound heterozygous with a second variant (PMID: 27362913). Additionally, this variant has been observed to segregate in affected family members (PMID: 26179960). Functional studies show that this variant may disrupt protein function (PMID: 26179960). Computational prediction algorithms indicate this variant is likely to affect gene or protein function. Given the available evidence, this variant is classified as Pathogenic.

Labcorp Genetics (formerly Invitae), Labcorp
Classification: Pathogenic for Glycine encephalopathy. Last evaluated: 2023-12-26. Review status: criteria provided, single submitter. Criteria: Invitae Variant Classification Sherloc (09022015). Collection method: clinical testing. Allele origin: germline.
Comment: This sequence change replaces alanine, which is neutral and non-polar, with proline, which is neutral and non-polar, at codon 283 of the GLDC protein (p.Ala283Pro). This variant is present in population databases (rs386833589, gnomAD 0.0009%). This missense change has been observed in individual(s) with glycine encephalopathy (PMID: 26179960, 27362913). ClinVar contains an entry for this variant (Variation ID: 56106). Advanced modeling of protein sequence and biophysical properties (such as structural, functional, and spatial information, amino acid conservation, physicochemical variation, residue mobility, and thermodynamic stability) performed at Invitae indicates that this missense variant is expected to disrupt GLDC protein function with a positive predictive value of 80%. Experimental studies have shown that this missense change affects GLDC function (PMID: 26179960). For these reasons, this variant has been classified as Pathogenic.

Counsyl
Classification: Likely pathogenic for Glycine encephalopathy 1. Last evaluated: 2018-02-23. Review status: no assertion criteria provided. Collection method: clinical testing. Allele origin: unknown. Not counted in ClinVar's aggregate classification.

Juha Muilu Group; Institute for Molecular Medicine Finland (FIMM)
Classification: Likely pathogenic for Non-ketotic hyperglycinemia. Review status: no assertion criteria provided. Collection method: not provided. Allele origin: unknown. Not counted in ClinVar's aggregate classification.
Comment: FinDis database variant: This variant was not found or characterized by our laboratory, data were collected from public sources: see reference
ClinVar note: Converted during submission from probable-pathogenic to Likely pathogenic.

Literature cited by the submitters: PubMed 27362913 (cited by 3 submitters); PubMed 26179960 (cited by 3 submitters).

NM_000170.3(GLDC):c.847G>C (p.Ala283Pro)

Gene: GLDC (glycine decarboxylase; minus strand). Cytogenetic location: 9p24.1.
Variant type: single nucleotide variant.
Coding change: c.847G>C on transcript NM_000170.3 (MANE Select); coding-DNA position 847, G replaced by C.
Protein change: p.Ala283Pro; replaces alanine 283 with proline.
Molecular consequence: missense variant.
Genome position (GRCh38, 1-based): chr9:6,605,145, C>G on the plus strand (G>C on the coding strand, the complement: GLDC is on the minus strand). VCF-style: chr9-6605145-C-G. GRCh37 (hg19) VCF-style: chr9-6605145-C-G.
Other names: short protein forms A283P.
Identifiers: ClinVar variation 56106 (VCV000056106.11), dbSNP rs386833589, ClinGen allele CA263445.